The following is an entry in ClinVar:

ClinVar aggregate classification (germline): Benign/Likely benign. Review status: criteria provided, multiple submitters, no conflicts (2 of 4 stars). 6 submissions from 6 submitters: Benign (2); Likely benign (4). Last evaluated 2026-08-01.

Allele frequency attached by ClinVar (database versions not stated): 1000 Genomes Project 30x 0.00078.
gnomAD v4.1: 3,317 of 1,613,228 alleles (0.21%); highest among the groups gnomAD compares: Non-Finnish European, 0.25%; 2 homozygotes.

Submissions (6):

CeGaT Center for Human Genetics Tuebingen
Classification: Likely benign. Last evaluated: 2026-08-01. Review status: criteria provided, single submitter. Criteria: CeGaT Center For Human Genetics Tuebingen Variant Classification Criteria Version 2. Collection method: clinical testing. Allele origin: germline. Affected: yes. Observed: 12 variant alleles.
Comment: GRM1: BP4, BP7

Labcorp Genetics (formerly Invitae), Labcorp
Classification: Benign. Last evaluated: 2026-01-15. Review status: criteria provided, single submitter. Criteria: Invitae Variant Classification Sherloc (09022015). Collection method: clinical testing. Allele origin: germline.

Mayo Clinic Laboratories, Mayo Clinic
Classification: Likely benign. Last evaluated: 2025-07-10. Review status: criteria provided, single submitter. Criteria: ACMG Guidelines, 2015. Collection method: clinical testing. Allele origin: germline. Observed: 2 variant alleles.
Comment: BS1, BP4, BP7

Athena Diagnostics
Classification: Benign. Last evaluated: 2025-04-03. Review status: criteria provided, single submitter. Criteria: Athena Diagnostics Criteria. Collection method: clinical testing. Allele origin: unknown.
Comment: The frequency of this variant in the general population is higher than would generally be expected for pathogenic variants in this gene.

Blueprint Genetics
Classification: Likely benign. Last evaluated: 2024-11-25. Review status: criteria provided, single submitter. Criteria: ACMG Guidelines, 2015. Collection method: clinical testing. Allele origin: germline.

GeneDx
Classification: Likely benign. Last evaluated: 2021-05-17. Review status: criteria provided, single submitter. Criteria: GeneDx Variant Classification Process June 2021. Collection method: clinical testing. Allele origin: germline. Affected: yes.
Comment: See Variant Classification Assertion Criteria.

Literature cited by the submitters: PubMed 22448230 (cited by Mayo Clinic Laboratories, Mayo Clinic and Athena Diagnostics); PubMed 19924463 (cited by Athena Diagnostics).

NM_001278064.2(GRM1):c.3213T>C (p.Pro1071=)

Gene: GRM1 (glutamate metabotropic receptor 1; plus strand). Cytogenetic location: 6q24.3.
Variant type: single nucleotide variant.
Coding change: c.3213T>C on transcript NM_001278064.2 (MANE Select); coding-DNA position 3213, T replaced by C.
Protein change: p.Pro1071=; no amino-acid change (proline 1071 retained).
Molecular consequence: synonymous variant. On other transcripts: 3 prime UTR variant (3).
Genome position (GRCh38, 1-based): chr6:146,434,424, T>C. VCF-style: chr6-146434424-T-C. GRCh37 (hg19) VCF-style: chr6-146755560-T-C.
Other names: p.Pro1071=; c.*577T>C (NM_001278065.2); c.*542T>C (NM_001278066.1); c.*451T>C (NM_001278067.1).
Identifiers: ClinVar variation 789291 (VCV000789291.37), dbSNP rs1047006, ClinGen allele CA4037653.